The following is an entry in ClinVar:

ClinVar aggregate classification (germline): Likely benign. Review status: criteria provided, single submitter (1 of 4 stars). 2 submissions from 2 submitters: Likely benign (1). 1 of the submissions does not count toward it. Last evaluated 2024-11-27.

Conditions:
TSHZ1-related disorder. Also called: TSHZ1-related condition.

Allele frequency attached by ClinVar (database versions not stated): gnomAD 0.00051; 1000 Genomes Project 0.00060; TOPMed 0.00080; gnomAD exomes 0.00082; ESP Exome Variant Server 0.00100; ExAC 0.00111.
gnomAD v4.1: 1,406 of 1,610,742 alleles (0.087%); highest among the groups gnomAD compares: Middle Eastern, 1%; 5 homozygotes.

Submissions (2):

Blueprint Genetics
Classification: Likely benign. Last evaluated: 2024-11-27. Review status: criteria provided, single submitter. Criteria: ACMG Guidelines, 2015. Collection method: clinical testing. Allele origin: germline.

PreventionGenetics, part of Exact Sciences
Classification: Likely benign for TSHZ1-related condition. Last evaluated: 2024-04-29. Review status: no assertion criteria provided. Collection method: clinical testing. Allele origin: germline. Not counted in ClinVar's aggregate classification.
Comment: This variant is classified as likely benign based on ACMG/AMP sequence variant interpretation guidelines (Richards et al. 2015 PMID: 25741868, with internal and published modifications).

NM_001308210.2(TSHZ1):c.609A>G (p.Ala203=)

Gene: TSHZ1 (teashirt zinc finger homeobox 1; plus strand). Cytogenetic location: 18q22.3.
Variant type: single nucleotide variant.
Coding change: c.609A>G on transcript NM_001308210.2 (MANE Select); coding-DNA position 609, A replaced by G.
Protein change: p.Ala203=; no amino-acid change (alanine 203 retained).
Molecular consequence: synonymous variant.
Genome position (GRCh38, 1-based): chr18:75,286,016, A>G. VCF-style: chr18-75286016-A-G. GRCh37 (hg19) VCF-style: chr18-72997971-A-G.
Other names: c.474A>G, p.Ala158= (NM_005786.6).
Identifiers: ClinVar variation 3355116 (VCV003355116.2), dbSNP rs148319172.